The following is an entry in ClinVar:

ClinVar aggregate classification (germline): Uncertain significance (1 of 4 stars; one submission).

Submission:

Labcorp Genetics (formerly Invitae), Labcorp
Classification: Uncertain significance. Last evaluated: 2025-07-16. Review status: criteria provided, single submitter. Criteria: Invitae Variant Classification Sherloc (09022015). Collection method: clinical testing. Allele origin: germline.
Comment: This sequence change replaces glutamine, which is neutral and polar, with lysine, which is basic and polar, at codon 304 of the PRKCSH protein (p.Gln304Lys). This variant is present in population databases (rs759220595, gnomAD 0.003%). This variant has not been reported in the literature in individuals affected with PRKCSH-related conditions. An algorithm developed to predict the effect of missense changes on protein structure and function outputs the following: PolyPhen-2: "Benign". The lysine amino acid residue is found in multiple mammalian species, which suggests that this missense change does not adversely affect protein function. In summary, the available evidence is currently insufficient to determine the role of this variant in disease. Therefore, it has been classified as a Variant of Uncertain Significance.

NM_001289104.2(PRKCSH):c.910C>A (p.Gln304Lys)

Gene: PRKCSH (PRKCSH beta subunit of glucosidase II; plus strand). Cytogenetic location: 19p13.2.
Variant type: single nucleotide variant.
Coding change: c.910C>A on transcript NM_001289104.2 (MANE Select); coding-DNA position 910, C replaced by A.
Protein change: p.Gln304Lys; replaces glutamine 304 with lysine.
Molecular consequence: missense variant.
Genome position (GRCh38, 1-based): chr19:11,447,499, C>A. VCF-style: chr19-11447499-C-A. GRCh37 (hg19) VCF-style: chr19-11558314-C-A.
Other names: c.910C>A, p.Gln304Lys (NM_001001329.3, NM_001289102.2, NM_001289103.2 and 3 more transcripts); short protein forms Q304K.
Identifiers: ClinVar variation 4804707 (VCV004804707.1).